The following is an entry in ClinVar:

ClinVar aggregate classification (germline): Likely pathogenic (1 of 4 stars; one submission).

Conditions:
TNF receptor-associated periodic fever syndrome (TRAPS) (FPF). Also called: FAMILIAL HIBERNIAN FEVER; TNF RECEPTOR-ASSOCIATED PERIODIC SYNDROME; TUMOR NECROSIS FACTOR RECEPTOR-ASSOCIATED PERIODIC SYNDROME; Autosomal Dominant Familial Periodic Fever; TNF Receptor-Associated Periodic Fever Syndrome; TNF receptor 1-associated periodic fever syndrome. Identifiers: Orphanet 32960, MedGen C1275126, MONDO:0007727, OMIM 142680.

Submission:

Center for Human Genetics and Genomic Medicine, Uniklinik Rwth Aachen
Classification: Likely pathogenic for TNF receptor-associated periodic fever syndrome (TRAPS). Last evaluated: 2023-12-14. Review status: criteria provided, single submitter. Criteria: ACMG Guidelines, 2015. Collection method: clinical testing. Allele origin: unknown. Inheritance: Autosomal dominant inheritance. Affected: yes. Observed: 1 heterozygote.
Comment: The detected change is not reported in the general population (gnomAD) (as of December 14, 2023). It has not yet been described in the ClinVar database or in the literature. The variant represents a frame shift with a subsequent stop codon. This usually leads to either premature termination of translation or a so-called “nonsense-mediated mRNA decay” (NMD). In this case, the present 2 bp insertion leads to a shift in the reading frame with the consequence of a premature stop codon in direct proximity to the 3' end of the penultimate exon. Premature stop codons less than 50 bp before the end of the penultimate exon often escape the NMD, which can lead to the formation of a truncated protein. Taking into account that so far only missense variants in TNFRSF1A have been described as pathogenic and that loss-of-function variants therefore probably do not fit the suspected pathomechanism, it is highly likely that the detected change is likely pathogenetic due to the resulting, presumably C-terminally shortened protein. The variant is currently considered a “likely pathogenic variant” (ACMG criteria).

NM_001065.4(TNFRSF1A):c.950_951insTG (p.Tyr318fs)

Gene: TNFRSF1A (TNF receptor superfamily member 1A; minus strand). Cytogenetic location: 12p13.31.
Variant type: Insertion.
Coding change: c.950_951insTG on transcript NM_001065.4 (MANE Select); coding-DNA positions 950 to 951, TG inserted.
Protein change: p.Tyr318fs; shifts the reading frame from tyrosine 318.
Molecular consequence: frameshift variant. On other transcripts: non-coding transcript variant (1).
Genome position: GRCh38 VCF-style: chr12-6329884-G-GCA. GRCh37 (hg19) VCF-style: chr12-6439050-G-GCA.
Other names: c.626_627insTG, p.Tyr210fs (NM_001346091.2); c.491_492insTG, p.Tyr165fs (NM_001346092.2); short protein forms Y165fs, Y210fs, Y318fs.
Identifiers: ClinVar variation 2682154 (VCV002682154.1), dbSNP rs2497787699, ClinGen allele CA2697559099.